The following is an entry in ClinVar:

ClinVar aggregate classification (germline): Uncertain significance (1 of 4 stars; one submission).

Conditions:
Ataxia-telangiectasia syndrome (AT). Also called: Ataxia-telangiectasia, complementation group D; Ataxia telangiectasia (A-T); Cerebello-oculocutaneous telangiectasia; Immunodeficiency with ataxia telangiectasia; ATAXIA-TELANGIECTASIA, COMPLEMENTATION GROUP A; ATAXIA-TELANGIECTASIA, FRESNO VARIANT. Identifiers: Orphanet 100, MedGen C0004135, MONDO:0008840, OMIM 208900.

Allele frequency attached by ClinVar (database versions not stated): gnomAD exomes below 0.00001.
gnomAD v4.1: 1 of 1,614,110 alleles (0.000062%); highest among the groups gnomAD compares: Non-Finnish European, 0.000085%; no homozygotes.

Submission:

Labcorp Genetics (formerly Invitae), Labcorp
Classification: Uncertain significance for Ataxia-telangiectasia syndrome. Last evaluated: 2022-06-09. Review status: criteria provided, single submitter. Criteria: Invitae Variant Classification Sherloc (09022015). Collection method: clinical testing. Allele origin: germline.
Comment: In summary, the available evidence is currently insufficient to determine the role of this variant in disease. Therefore, it has been classified as a Variant of Uncertain Significance. Advanced modeling of protein sequence and biophysical properties (such as structural, functional, and spatial information, amino acid conservation, physicochemical variation, residue mobility, and thermodynamic stability) performed at Invitae indicates that this missense variant is not expected to disrupt ATM protein function. This variant has not been reported in the literature in individuals affected with ATM-related conditions. This variant is not present in population databases (gnomAD no frequency). This sequence change replaces leucine, which is neutral and non-polar, with phenylalanine, which is neutral and non-polar, at codon 483 of the ATM protein (p.Leu483Phe).

NM_000051.4(ATM):c.1447C>T (p.Leu483Phe)

Gene: ATM (ATM serine/threonine kinase; plus strand). Cytogenetic location: 11q22.3.
Variant type: single nucleotide variant.
Coding change: c.1447C>T on transcript NM_000051.4 (MANE Select); coding-DNA position 1447, C replaced by T.
Protein change: p.Leu483Phe; replaces leucine 483 with phenylalanine.
Molecular consequence: missense variant.
Genome position (GRCh38, 1-based): chr11:108,250,912, C>T. VCF-style: chr11-108250912-C-T. GRCh37 (hg19) VCF-style: chr11-108121639-C-T.
Other names: c.1447C>T, p.Leu483Phe (NM_001351834.2); short protein forms L483F.
Identifiers: ClinVar variation 1395133 (VCV001395133.6), dbSNP rs2135323121, ClinGen allele CA382534101.